The following is an entry in ClinVar:

NM_175737.4(KLB):c.1841C>T (p.Ala614Val)

Gene: KLB (klotho beta; plus strand). Cytogenetic location: 4p14.
Variant type: single nucleotide variant.
Coding change: c.1841C>T on transcript NM_175737.4 (MANE Select); coding-DNA position 1841, C replaced by T.
Protein change: p.Ala614Val; replaces alanine 614 with valine.
Molecular consequence: missense variant.
Genome position (GRCh38, 1-based): chr4:39,446,567, C>T. VCF-style: chr4-39446567-C-T. GRCh37 (hg19) VCF-style: chr4-39448187-C-T.
Other names: short protein forms A614V.
Identifiers: ClinVar variation 2467868 (VCV002467868.4), dbSNP rs200760068, ClinGen allele CA2893899.
Genomic context (GRCh38, chr4:39,446,567, plus strand): 5'-TCACCCACTACCGGTTTGCTCTGGATTGGGCCTCGGTCCTTCCCACTGGCAACCTGTCCG[C>T]GGTGAACCGACAGGCCCTGAGGTACTACAGGTGCGTGGTCAGTGAGGGGCTGAAGCTTGG-3'
Protein context (NP_783864.1, residues 604-624): ASVLPTGNLS[Ala614Val]VNRQALRYYR

ClinVar aggregate classification (germline): Uncertain significance. Review status: criteria provided, multiple submitters, no conflicts (2 of 4 stars). 2 submissions from 2 submitters: Uncertain significance (2). Last evaluated 2025-07-02.

Allele frequency attached by ClinVar (database versions not stated): ExAC 0.00010; TOPMed 0.00010; gnomAD exomes 0.00012; gnomAD 0.00013.
gnomAD v4.1: 195 of 1,614,096 alleles (0.012%); highest among the groups gnomAD compares: Non-Finnish European, 0.016%; no homozygotes.

Submissions (2):

Ambry Genetics
Classification: Uncertain significance. Last evaluated: 2025-07-02. Review status: criteria provided, single submitter. Criteria: Ambry Variant Classification Scheme 2023. Collection method: clinical testing. Allele origin: germline.

Labcorp Genetics (formerly Invitae), Labcorp
Classification: Uncertain significance. Last evaluated: 2025-03-25. Review status: criteria provided, single submitter. Criteria: Invitae Variant Classification Sherloc (09022015). Collection method: clinical testing. Allele origin: germline.
Comment: This sequence change replaces alanine, which is neutral and non-polar, with valine, which is neutral and non-polar, at codon 614 of the KLB protein (p.Ala614Val). This variant is present in population databases (rs200760068, gnomAD 0.02%). This variant has not been reported in the literature in individuals affected with KLB-related conditions. ClinVar contains an entry for this variant (Variation ID: 2467868). Invitae Evidence Modeling of protein sequence and biophysical properties (such as structural, functional, and spatial information, amino acid conservation, physicochemical variation, residue mobility, and thermodynamic stability) indicates that this missense variant is not expected to disrupt KLB protein function with a negative predictive value of 80%. In summary, the available evidence is currently insufficient to determine the role of this variant in disease. Therefore, it has been classified as a Variant of Uncertain Significance.